The following is an entry in ClinVar:

ClinVar aggregate classification (germline): Conflicting classifications of pathogenicity. Review status: criteria provided, conflicting classifications (1 of 4 stars). 3 submissions from 3 submitters: Uncertain significance (2); Likely benign (1). Last evaluated 2025-08-03.

Conditions:
Familial adenomatous polyposis 1 (FAP1). Also called: POLYPOSIS, ADENOMATOUS INTESTINAL; FAMILIAL ADENOMATOUS POLYPOSIS 1, ATTENUATED. Identifiers: MedGen C2713442, MONDO:0021056, OMIM 175100. Disease mechanism: loss of function.
Hereditary cancer-predisposing syndrome. Also called: Hereditary Cancer Syndrome; Neoplastic Syndromes, Hereditary; Tumor predisposition; Hereditary neoplastic syndrome. Identifiers: Orphanet 140162, MedGen C0027672, MeSH D009386, MONDO:0015356.

Submissions (3):

Labcorp Genetics (formerly Invitae), Labcorp
Classification: Uncertain significance for Familial adenomatous polyposis 1. Last evaluated: 2025-08-03. Review status: criteria provided, single submitter. Criteria: Invitae Variant Classification Sherloc (09022015). Collection method: clinical testing. Allele origin: germline.
Comment: This sequence change replaces alanine, which is neutral and non-polar, with threonine, which is neutral and polar, at codon 219 of the APC protein (p.Ala219Thr). This variant is not present in population databases (gnomAD no frequency). This variant has not been reported in the literature in individuals affected with APC-related conditions. ClinVar contains an entry for this variant (Variation ID: 490339). Invitae Evidence Modeling of protein sequence and biophysical properties (such as structural, functional, and spatial information, amino acid conservation, physicochemical variation, residue mobility, and thermodynamic stability) indicates that this missense variant is not expected to disrupt APC protein function with a negative predictive value of 95%. In summary, the available evidence is currently insufficient to determine the role of this variant in disease. Therefore, it has been classified as a Variant of Uncertain Significance.

Ambry Genetics
Classification: Likely benign for Hereditary cancer-predisposing syndrome. Last evaluated: 2023-12-19. Review status: criteria provided, single submitter. Criteria: Ambry Variant Classification Scheme 2023. Collection method: clinical testing. Allele origin: germline.

Color Diagnostics, LLC DBA Color Health
Classification: Uncertain significance for Hereditary cancer-predisposing syndrome. Last evaluated: 2019-05-31. Review status: criteria provided, single submitter. Criteria: ACMG Guidelines, 2015. Collection method: clinical testing. Allele origin: germline.

NM_000038.6(APC):c.655G>A (p.Ala219Thr)

Gene: APC (APC regulator of Wnt signaling pathway; plus strand). Cytogenetic location: 5q22.2.
Variant type: single nucleotide variant.
Coding change: c.655G>A on transcript NM_000038.6 (MANE Select); coding-DNA position 655, G replaced by A.
Protein change: p.Ala219Thr; replaces alanine 219 with threonine.
Molecular consequence: missense variant. On other transcripts: 5 prime UTR variant (1), intron variant (2).
Genome position (GRCh38, 1-based): chr5:112,792,455, G>A. VCF-style: chr5-112792455-G-A. GRCh37 (hg19) VCF-style: chr5-112128152-G-A.
Other names: c.655G>A, p.Ala219Thr (NM_001127510.3, NM_001354895.2, NM_001354896.2 and 1 more transcripts); c.685G>A, p.Ala229Thr (NM_001354897.2, NM_001354902.2); c.580G>A, p.Ala194Thr (NM_001354898.2, NM_001354904.2); c.478G>A, p.Ala160Thr (NM_001354900.2, NM_001354901.2, NM_001354905.2); c.-381G>A (NM_001354906.2); c.676-8824G>A (NM_001127511.3); c.646-8824G>A (NM_001354899.2); short protein forms A219T, A160T, A194T, A229T.
Identifiers: ClinVar variation 490339 (VCV000490339.8), dbSNP rs1554074731, ClinGen allele CA16022765.